The following is an entry in ClinVar:

ClinVar aggregate classification (germline): Likely benign. Review status: criteria provided, single submitter (1 of 4 stars). 2 submissions from 2 submitters: Likely benign (1). 1 of the submissions does not count toward it. Last evaluated 2025-03-10.

Conditions:
GLI1-related disorder. Also called: GLI1-related condition.

Allele frequency attached by ClinVar (database versions not stated): ExAC 0.00003; TOPMed 0.00005; gnomAD 0.00007; ESP Exome Variant Server 0.00008; 1000 Genomes Project 30x 0.00016; 1000 Genomes Project 0.00020.

Submissions (2):

Women's Health and Genetics/Laboratory Corporation of America, LabCorp
Classification: Likely benign. Last evaluated: 2025-03-10. Review status: criteria provided, single submitter. Criteria: LabCorp Variant Classification Summary - May 2015. Collection method: clinical testing. Allele origin: germline.

PreventionGenetics, part of Exact Sciences
Classification: Likely benign for GLI1-related condition. Last evaluated: 2019-03-29. Review status: no assertion criteria provided. Collection method: clinical testing. Allele origin: germline. Not counted in ClinVar's aggregate classification.
Comment: This variant is classified as likely benign based on ACMG/AMP sequence variant interpretation guidelines (Richards et al. 2015 PMID: 25741868, with internal and published modifications).

NM_005269.3(GLI1):c.1134G>A (p.Ser378=)

Gene: GLI1 (GLI family zinc finger 1; plus strand). Cytogenetic location: 12q13.3.
Variant type: single nucleotide variant.
Coding change: c.1134G>A on transcript NM_005269.3 (MANE Select); coding-DNA position 1134, G replaced by A.
Protein change: p.Ser378=; no amino-acid change (serine 378 retained).
Molecular consequence: synonymous variant.
Genome position (GRCh38, 1-based): chr12:57,468,050, G>A. VCF-style: chr12-57468050-G-A. GRCh37 (hg19) VCF-style: chr12-57861833-G-A.
Other names: c.750G>A, p.Ser250= (NM_001160045.2); c.1011G>A, p.Ser337= (NM_001167609.2).
Identifiers: ClinVar variation 3041491 (VCV003041491.3), dbSNP rs376198615, ClinGen allele CA6648732.
Genomic context (GRCh38, chr12:57,468,050, plus strand): 5'-ACAGAAGCCGTATGTATGTAAGCTCCCTGGCTGCACCAAACGCTATACAGATCCTAGCTC[G>A]CTGCGAAAACATGTCAAGACAGTGCATGGTCCTGACGCCCATGTGACCAAACGGCACCGT-3'
Protein context (NP_005260.1, residues 368-388): GCTKRYTDPS[Ser378=]LRKHVKTVHG